The following is an entry in ClinVar:

ClinVar aggregate classification (germline): Uncertain significance (1 of 4 stars; one submission).

Conditions:
Inborn genetic diseases. Identifiers: MedGen C0950123, MeSH D030342.

Submission:

Ambry Genetics
Classification: Uncertain significance for Inborn genetic diseases. Last evaluated: 2025-08-18. Review status: criteria provided, single submitter. Criteria: Ambry Variant Classification Scheme 2023. Collection method: clinical testing. Allele origin: germline.
Comment: The c.2017C>T (p.P673S) alteration is located in exon 16 (coding exon 15) of the MYH10 gene. This alteration results from a C to T substitution at nucleotide position 2017, causing the proline (P) at amino acid position 673 to be replaced by a serine (S). This variant was not reported in population-based cohorts in the Genome Aggregation Database (gnomAD). This amino acid position is highly conserved in available vertebrate species. This alteration is predicted to be deleterious by in silico analysis. Based on insufficient or conflicting evidence, the clinical significance of this alteration remains unclear.

NM_001256012.3(MYH10):c.2110C>T (p.Pro704Ser)

Gene: MYH10 (myosin heavy chain 10; minus strand). Cytogenetic location: 17p13.1.
Variant type: single nucleotide variant.
Coding change: c.2110C>T on transcript NM_001256012.3 (MANE Select); coding-DNA position 2110, C replaced by T.
Protein change: p.Pro704Ser; replaces proline 704 with serine.
Molecular consequence: missense variant.
Genome position (GRCh38, 1-based): chr17:8,521,133, G>A on the plus strand (C>T on the coding strand, the complement: MYH10 is on the minus strand). VCF-style: chr17-8521133-G-A. GRCh37 (hg19) VCF-style: chr17-8424451-G-A.
Other names: c.2044C>T, p.Pro682Ser (NM_001256095.2); c.2047C>T, p.Pro683Ser (NM_001375266.1); c.2017C>T, p.Pro673Ser (NM_005964.5); short protein forms P683S, P673S, P682S, P704S.
Identifiers: ClinVar variation 3915380 (VCV003915380.2).